The following is an entry in ClinVar:

ClinVar aggregate classification (germline): Uncertain significance. Review status: criteria provided, multiple submitters, no conflicts (2 of 4 stars). 2 submissions from 2 submitters: Uncertain significance (2). Last evaluated 2025-12-17.

Allele frequency attached by ClinVar (database versions not stated): gnomAD exomes 0.00002 and 0.00011; ExAC 0.00003; gnomAD 0.00003 and 0.00004; ESP Exome Variant Server 0.00008.
gnomAD v4.1: 158 of 1,612,544 alleles (0.0098%); highest among the groups gnomAD compares: Non-Finnish European, 0.013%; no homozygotes.

Submissions (2):

Labcorp Genetics (formerly Invitae), Labcorp
Classification: Uncertain significance. Last evaluated: 2025-12-17. Review status: criteria provided, single submitter. Criteria: Invitae Variant Classification Sherloc (09022015). Collection method: clinical testing. Allele origin: germline.
Comment: This sequence change replaces glycine, which is neutral and non-polar, with alanine, which is neutral and non-polar, at codon 349 of the COL9A3 protein (p.Gly349Ala). This variant is present in population databases (rs370537858, gnomAD 0.007%). This variant has not been reported in the literature in individuals affected with COL9A3-related conditions. ClinVar contains an entry for this variant (Variation ID: 1309402). Invitae Evidence Modeling of protein sequence and biophysical properties (such as structural, functional, and spatial information, amino acid conservation, physicochemical variation, residue mobility, and thermodynamic stability) indicates that this missense variant is expected to disrupt COL9A3 protein function with a positive predictive value of 95%. In summary, the available evidence is currently insufficient to determine the role of this variant in disease. Therefore, it has been classified as a Variant of Uncertain Significance.

GeneDx
Classification: Uncertain significance. Last evaluated: 2025-09-24. Review status: criteria provided, single submitter. Criteria: GeneDx Variant Classification Process June 2021. Collection method: clinical testing. Allele origin: germline. Affected: yes.
Comment: In silico analysis supports that this missense variant has a deleterious effect on protein structure/function; This variant is associated with the following publications: (PMID: 26566670)

NM_001853.4(COL9A3):c.1046G>C (p.Gly349Ala)

Gene: COL9A3 (collagen type IX alpha 3 chain; plus strand). Cytogenetic location: 20q13.33.
Variant type: single nucleotide variant.
Coding change: c.1046G>C on transcript NM_001853.4 (MANE Select); coding-DNA position 1046, G replaced by C.
Protein change: p.Gly349Ala; replaces glycine 349 with alanine.
Molecular consequence: missense variant.
Genome position (GRCh38, 1-based): chr20:62,829,492, G>C. VCF-style: chr20-62829492-G-C. GRCh37 (hg19) VCF-style: chr20-61460844-G-C.
Other names: short protein forms G349A.
Identifiers: ClinVar variation 1309402 (VCV001309402.9), dbSNP rs370537858, ClinGen allele CA9949704.